The following is an entry in ClinVar:

NC_000006.11:g.(?_66349671)_(66349785_?)del

Gene: EYS (eyes shut homolog; minus strand). Cytogenetic location: 6q12.
Variant type: Deletion.
Identifiers: ClinVar variation 1511420 (VCV001511420.3).

ClinVar aggregate classification (germline): Uncertain significance (1 of 4 stars; one submission).

Submission:

Labcorp Genetics (formerly Invitae), Labcorp
Classification: Uncertain significance. Last evaluated: 2021-09-15. Review status: criteria provided, single submitter. Criteria: Invitae Variant Classification Sherloc (09022015). Collection method: clinical testing. Allele origin: germline.
Comment: This variant occurs in a non-coding region of the EYS gene. It does not change the encoded amino acid sequence of the EYS protein. This variant has not been reported in the literature in individuals affected with EYS-related conditions. Experimental studies and prediction algorithms are not available or were not evaluated, and the functional significance of this variant is currently unknown. In summary, the available evidence is currently insufficient to determine the role of this variant in disease. Therefore, it has been classified as a Variant of Uncertain Significance.